The following is an entry in ClinVar:

ClinVar aggregate classification (germline): Pathogenic (1 of 4 stars; one submission).

Conditions:
Hereditary cancer-predisposing syndrome. Also called: Neoplastic Syndromes, Hereditary; Tumor predisposition; Hereditary neoplastic syndrome; Hereditary Cancer Syndrome. Identifiers: Orphanet 140162, MedGen C0027672, MeSH D009386, MONDO:0015356.

Submission:

Ambry Genetics
Classification: Pathogenic for Hereditary cancer-predisposing syndrome. Last evaluated: 2023-10-13. Review status: criteria provided, single submitter. Criteria: Ambry Variant Classification Scheme 2023. Collection method: clinical testing. Allele origin: germline.
Comment: The c.3538delA pathogenic mutation, located in coding exon 9 of the BRCA1 gene, results from a deletion of one nucleotide at nucleotide position 3538, causing a translational frameshift with a predicted alternate stop codon (p.S1180Afs*30). This alteration is expected to result in loss of function by premature protein truncation or nonsense-mediated mRNA decay. As such, this alteration is interpreted as a disease-causing mutation.

NM_007294.4(BRCA1):c.3538del (p.Ser1180fs)

Genes: BRCA1 (BRCA1 DNA repair associated; minus strand), LOC126862571 (BRD4-independent group 4 enhancer GRCh37_chr17:41243136-41244335; plus strand). Cytogenetic location: 17q21.31.
Variant type: Deletion.
Coding change: c.3538del on transcript NM_007294.4 (MANE Select); coding-DNA position 3538, one base deleted (A; older notation c.3538delA).
Protein change: p.Ser1180fs; shifts the reading frame from serine 1180.
Molecular consequence: frameshift variant. On other transcripts: intron variant (135).
Genome position (GRCh38, 1-based): chr17:43,091,993, T deleted on the plus strand (A on the coding strand, the reverse complement: BRCA1 is on the minus strand); the first of 4 consecutive T bases (chr17:43,091,993-43,091,996); deleting any one gives the same sequence. VCF-style (leftmost placement, unchanged base first): chr17-43091992-CT-C. GRCh37 (hg19) VCF-style: chr17-41244009-CT-C.
Other names: c.647-961del (NM_001408410.1, NM_001408458.1, NM_001408469.1 and 11 more transcripts); c.665-961del (NM_001408442.1, NM_001408426.1, NM_001408436.1 and 12 more transcripts); c.788-961del (NM_001407982.1, NM_001407970.1, NM_001407980.1 and 17 more transcripts); c.578-961del (NM_001408483.1, NM_001408481.1, NM_001408480.1 and 9 more transcripts); c.710-961del (NM_001408415.1, NM_001408412.1, NM_001408409.1 and 2 more transcripts); c.3325del, p.Ser1109fs (NM_001407571.1, NM_001407853.1, NM_001407894.1 and 9 more transcripts); c.3538del, p.Ser1180fs (NM_001407581.1, NM_001407582.1, NM_001407583.1 and 30 more transcripts); c.3535del, p.Ser1179fs (NM_001407587.1, NM_001407590.1, NM_001407591.1 and 22 more transcripts); and 42 more; short protein forms S1012fs, S1052fs, S1053fs, S1068fs, S1069fs, S1091fs, S1092fs, S1109fs.
Identifiers: ClinVar variation 3226139 (VCV003226139.1), dbSNP rs1567791274, ClinGen allele CA2825002530.